The following is an entry in ClinVar:

NM_012452.3(TNFRSF13B):c.732C>G (p.Ser244Arg)

Gene: TNFRSF13B (TNF receptor superfamily member 13B; minus strand). Cytogenetic location: 17p11.2.
Variant type: single nucleotide variant.
Coding change: c.732C>G on transcript NM_012452.3 (MANE Select); coding-DNA position 732, C replaced by G.
Protein change: p.Ser244Arg; replaces serine 244 with arginine.
Molecular consequence: missense variant.
Genome position (GRCh38, 1-based): chr17:16,939,697, G>C on the plus strand (C>G on the coding strand, the complement: TNFRSF13B is on the minus strand). VCF-style: chr17-16939697-G-C. GRCh37 (hg19) VCF-style: chr17-16843011-G-C.
Other names: short protein forms S244R.
Identifiers: ClinVar variation 2855563 (VCV002855563.3), dbSNP rs371893711, ClinGen allele CA398519129.

ClinVar aggregate classification (germline): Uncertain significance (1 of 4 stars; one submission).

Conditions:
Immunodeficiency, common variable, 2 (CVID2). Also called: ANTIBODY DEFICIENCY DUE TO TACI DEFECT; HYPOGAMMAGLOBULINEMIA DUE TO TACI DEFICIENCY. Identifiers: Orphanet 1572, MedGen C3150354, MONDO:0009413, OMIM 240500.

Submission:

Labcorp Genetics (formerly Invitae), Labcorp
Classification: Uncertain significance for Immunodeficiency, common variable, 2. Last evaluated: 2023-04-12. Review status: criteria provided, single submitter. Criteria: Invitae Variant Classification Sherloc (09022015). Collection method: clinical testing. Allele origin: germline.
Comment: In summary, the available evidence is currently insufficient to determine the role of this variant in disease. Therefore, it has been classified as a Variant of Uncertain Significance. Advanced modeling of protein sequence and biophysical properties (such as structural, functional, and spatial information, amino acid conservation, physicochemical variation, residue mobility, and thermodynamic stability) performed at Invitae indicates that this missense variant is expected to disrupt TNFRSF13B protein function. This variant has not been reported in the literature in individuals affected with TNFRSF13B-related conditions. This variant is not present in population databases (gnomAD no frequency). This sequence change replaces serine, which is neutral and polar, with arginine, which is basic and polar, at codon 244 of the TNFRSF13B protein (p.Ser244Arg).